The following is an entry in ClinVar:

NM_058216.3(RAD51C):c.141C>A (p.Ser47Arg)

Gene: RAD51C (RAD51 paralog C; plus strand). Cytogenetic location: 17q22.
Variant type: single nucleotide variant.
Coding change: c.141C>A on transcript NM_058216.3 (MANE Select); coding-DNA position 141, C replaced by A.
Protein change: p.Ser47Arg; replaces serine 47 with arginine.
Molecular consequence: missense variant. On other transcripts: non-coding transcript variant (1).
Genome position (GRCh38, 1-based): chr17:58,692,784, C>A. VCF-style: chr17-58692784-C-A. GRCh37 (hg19) VCF-style: chr17-56770145-C-A.
Other names: c.141C>A, p.Ser47Arg (NM_002876.4, NM_058217.1); short protein forms S47R.
Identifiers: ClinVar variation 2913366 (VCV002913366.3), dbSNP rs568912602, ClinGen allele CA400337840.
Genomic context (GRCh38, chr17:58,692,784, plus strand): 5'-GGTGTCTGCGGGGTTCCAGACTGCTGAGGAACTCCTAGAGGTGAAACCCTCCGAGCTTAG[C>A]AAAGGTAACGACTCCTGATGGCAAGCTGAGGCACACCGGCCGCCGTCAGCGCCGCCTCAG-3'
Protein context (NP_478123.1, residues 37-57): ELLEVKPSEL[Ser47Arg]KEVGISKAEA

ClinVar aggregate classification (germline): Uncertain significance (1 of 4 stars; one submission).

Conditions:
Fanconi anemia complementation group O. Also called: RAD51C-Related Fanconi Anemia. Identifiers: Orphanet 84, MedGen C3150653, MONDO:0013248, OMIM 613390.

Submission:

Labcorp Genetics (formerly Invitae), Labcorp
Classification: Uncertain significance for Fanconi anemia complementation group O. Last evaluated: 2023-12-05. Review status: criteria provided, single submitter. Criteria: Invitae Variant Classification Sherloc (09022015). Collection method: clinical testing. Allele origin: germline.
Comment: This sequence change replaces serine, which is neutral and polar, with arginine, which is basic and polar, at codon 47 of the RAD51C protein (p.Ser47Arg). This variant is not present in population databases (gnomAD no frequency). This variant has not been reported in the literature in individuals affected with RAD51C-related conditions. Advanced modeling of protein sequence and biophysical properties (such as structural, functional, and spatial information, amino acid conservation, physicochemical variation, residue mobility, and thermodynamic stability) performed at Invitae indicates that this missense variant is not expected to disrupt RAD51C protein function with a negative predictive value of 80%. In summary, the available evidence is currently insufficient to determine the role of this variant in disease. Therefore, it has been classified as a Variant of Uncertain Significance.